The following is an entry in ClinVar:

NM_002291.3(LAMB1):c.4700A>C (p.Asp1567Ala)

Gene: LAMB1 (laminin subunit beta 1; minus strand). Cytogenetic location: 7q31.1.
Variant type: single nucleotide variant.
Coding change: c.4700A>C on transcript NM_002291.3 (MANE Select); coding-DNA position 4700, A replaced by C.
Protein change: p.Asp1567Ala; replaces aspartic acid 1567 with alanine.
Molecular consequence: missense variant.
Genome position (GRCh38, 1-based): chr7:107,929,457, T>G on the plus strand (A>C on the coding strand, the complement: LAMB1 is on the minus strand). VCF-style: chr7-107929457-T-G. GRCh37 (hg19) VCF-style: chr7-107569902-T-G.
Other names: short protein forms D1567A.
Identifiers: ClinVar variation 3367867 (VCV003367867.3).
Genomic context (GRCh38, chr7:107,929,457, plus strand): 5'-CATGTCTTTAGATACCTTGCTCTTTTAGCTTCTTCTAACAACATCTCAGCTCTGGCAATG[T>G]CAGCAGCACTATGCTGAAGAATAACCTCTACTTGAGAAAGGCTTTCAACTCGTTCACGTA-3'
Protein context (NP_002282.2, residues 1557-1577): VEVILQHSAA[Asp1567Ala]IARAEMLLEE

ClinVar aggregate classification (germline): Uncertain significance. Review status: criteria provided, multiple submitters, no conflicts (2 of 4 stars). 2 submissions from 2 submitters: Uncertain significance (2). Last evaluated 2024-05-09.

gnomAD v4.1: 122 of 1,614,070 alleles (0.0076%); highest among the groups gnomAD compares: Non-Finnish European, 0.0095%; no homozygotes.

Submissions (2):

Labcorp Genetics (formerly Invitae), Labcorp
Classification: Uncertain significance. Last evaluated: 2024-05-09. Review status: criteria provided, single submitter. Criteria: Invitae Variant Classification Sherloc (09022015). Collection method: clinical testing. Allele origin: germline.
Comment: This sequence change replaces aspartic acid, which is acidic and polar, with alanine, which is neutral and non-polar, at codon 1567 of the LAMB1 protein (p.Asp1567Ala). The frequency data for this variant in the population databases is considered unreliable, as metrics indicate poor data quality at this position in the gnomAD database. This variant has not been reported in the literature in individuals affected with LAMB1-related conditions. An algorithm developed to predict the effect of missense changes on protein structure and function (PolyPhen-2) suggests that this variant is likely to be disruptive. In summary, the available evidence is currently insufficient to determine the role of this variant in disease. Therefore, it has been classified as a Variant of Uncertain Significance.

GeneDx
Classification: Uncertain significance. Last evaluated: 2024-01-16. Review status: criteria provided, single submitter. Criteria: GeneDx Variant Classification Process June 2021. Collection method: clinical testing. Allele origin: germline. Affected: yes.
Comment: Not observed at significant frequency in large population cohorts (gnomAD); In silico analysis supports that this missense variant has a deleterious effect on protein structure/function; Has not been previously published as pathogenic or benign to our knowledge; This variant is associated with the following publications: (PMID: 23472759)